The following is an entry in ClinVar:

NM_004006.3(DMD):c.8064_8065del (p.His2688fs)

Gene: DMD (dystrophin; minus strand). Cytogenetic location: Xp21.1.
Variant type: Deletion.
Coding change: c.8064_8065del on transcript NM_004006.3 (MANE Select); coding-DNA positions 8064 to 8065, 2 bases deleted (TA; older notation c.8064_8065delTA).
Protein change: p.His2688fs; shifts the reading frame from histidine 2688.
Molecular consequence: frameshift variant.
Genome position (GRCh38, 1-based): chrX:31,627,825-31,627,826, TA deleted on the plus strand (TA on the coding strand, the reverse complement: DMD is on the minus strand); deleting any 2 consecutive bases within chrX:31,627,825-31,627,827 gives the same sequence; the c. name uses the placement nearest the transcript's 3' end. VCF-style (leftmost placement, unchanged base first): chrX-31627824-CTA-C. GRCh37 (hg19) VCF-style: chrX-31645941-CTA-C.
Other names: c.8040_8041del, p.His2680fs (NM_000109.4); c.8052_8053del, p.His2684fs (NM_004009.3); c.7695_7696del, p.His2565fs (NM_004010.3); c.4041_4042del, p.His1347fs (NM_004011.4); c.4032_4033del, p.His1344fs (NM_004012.4); c.684_685del, p.His228fs (NM_004013.3, NM_004020.4, NM_004021.3 and 2 more transcripts); c.8064_8065delTA (NM_004006.2); short protein forms H1344fs, H2688fs, H1347fs, H2680fs, H228fs, H2565fs, H2684fs.
Identifiers: ClinVar variation 94785 (VCV000094785.15), dbSNP rs398124060, ClinGen allele CA267154.

ClinVar aggregate classification (germline): Pathogenic. Review status: criteria provided, multiple submitters, no conflicts (2 of 4 stars). 2 submissions from 2 submitters: Pathogenic (2). Last evaluated 2023-08-16.

Conditions:
Duchenne muscular dystrophy (DMD). Also called: Duchenne Muscular Dystrophy (DMD); MUSCULAR DYSTROPHY, PSEUDOHYPERTROPHIC PROGRESSIVE, DUCHENNE TYPE. Identifiers: Orphanet 98896, MedGen C0013264, MONDO:0010679, OMIM 310200.

Submissions (2):

Labcorp Genetics (formerly Invitae), Labcorp
Classification: Pathogenic for Duchenne muscular dystrophy. Last evaluated: 2023-08-16. Review status: criteria provided, single submitter. Criteria: Invitae Variant Classification Sherloc (09022015). Collection method: clinical testing. Allele origin: germline.
Comment: For these reasons, this variant has been classified as Pathogenic. ClinVar contains an entry for this variant (Variation ID: 94785). This premature translational stop signal has been observed in individual(s) with Duchenne muscular dystrophy (PMID: 15643612). This variant is not present in population databases (gnomAD no frequency). This sequence change creates a premature translational stop signal (p.His2688Glnfs*21) in the DMD gene. It is expected to result in an absent or disrupted protein product. Loss-of-function variants in DMD are known to be pathogenic (PMID: 16770791, 25007885).

Eurofins Ntd Llc (ga)
Classification: Pathogenic. Last evaluated: 2013-03-07. Review status: criteria provided, single submitter. Criteria: EGL Classification Definitions 2015. Collection method: clinical testing. Allele origin: germline. Observed: 2 variant alleles, 1 heterozygote, 1 hemizygote.

Literature cited by the submitters: PubMed 15643612 (cited by Labcorp Genetics (formerly Invitae), Labcorp); PubMed 16770791 (cited by Labcorp Genetics (formerly Invitae), Labcorp); PubMed 25007885 (cited by Labcorp Genetics (formerly Invitae), Labcorp).